The following is an entry in ClinVar:

NM_001145252.3(CFP):c.118T>C (p.Ser40Pro)

Gene: CFP (complement factor properdin; minus strand). Cytogenetic location: Xp11.23.
Variant type: single nucleotide variant.
Coding change: c.118T>C on transcript NM_001145252.3 (MANE Select); coding-DNA position 118, T replaced by C.
Protein change: p.Ser40Pro; replaces serine 40 with proline.
Molecular consequence: missense variant.
Genome position (GRCh38, 1-based): chrX:47,629,633, A>G on the plus strand (T>C on the coding strand, the complement: CFP is on the minus strand). VCF-style: chrX-47629633-A-G. GRCh37 (hg19) VCF-style: chrX-47489032-A-G.
Other names: c.118T>C, p.Ser40Pro (NM_002621.2); short protein forms S40P.
Identifiers: ClinVar variation 2848638 (VCV002848638.3), dbSNP rs2519718890, ClinGen allele CA412839533.

ClinVar aggregate classification (germline): Uncertain significance (1 of 4 stars; one submission).

Submission:

Labcorp Genetics (formerly Invitae), Labcorp
Classification: Uncertain significance. Last evaluated: 2025-09-08. Review status: criteria provided, single submitter. Criteria: Invitae Variant Classification Sherloc (09022015). Collection method: clinical testing. Allele origin: germline.
Comment: This sequence change replaces serine, which is neutral and polar, with proline, which is neutral and non-polar, at codon 40 of the CFP protein (p.Ser40Pro). This variant is not present in population databases (gnomAD no frequency). This variant has not been reported in the literature in individuals affected with CFP-related conditions. ClinVar contains an entry for this variant (Variation ID: 2848638). An algorithm developed to predict the effect of missense changes on protein structure and function (PolyPhen-2) suggests that this variant is likely to be disruptive. In summary, the available evidence is currently insufficient to determine the role of this variant in disease. Therefore, it has been classified as a Variant of Uncertain Significance.